The following is an entry in ClinVar:

NC_000009.12:g.(?_127461163)_(127473941_?)del

Gene: LRSAM1 (leucine rich repeat and sterile alpha motif containing 1; plus strand). Cytogenetic location: 9q33.3.
Variant type: Deletion.
Identifiers: ClinVar variation 830785 (VCV000830785.3).

ClinVar aggregate classification (germline): Uncertain significance (1 of 4 stars; one submission).

Conditions:
Charcot-Marie-Tooth disease axonal type 2P. Also called: CHARCOT-MARIE-TOOTH NEUROPATHY, TYPE 2P; CHARCOT-MARIE-TOOTH DISEASE, AXONAL, TYPE 2G; CMT 2G; Charcot-Marie-Tooth Neuropathy Type 2G. Identifiers: Orphanet 300319, Orphanet 99941, MedGen C3280797, MONDO:0013753, OMIM 614436.

Submission:

Labcorp Genetics (formerly Invitae), Labcorp
Classification: Uncertain significance for Charcot-Marie-Tooth disease axonal type 2P. Last evaluated: 2022-11-28. Review status: criteria provided, single submitter. Criteria: Invitae Variant Classification Sherloc (09022015). Collection method: clinical testing. Allele origin: germline.
Comment: In summary, the available evidence is currently insufficient to determine the role of this variant in disease. Therefore, it has been classified as a Variant of Uncertain Significance. This variant has not been reported in the literature in individuals affected with LRSAM1-related conditions. This variant is a gross deletion of the genomic region encompassing exon(s) 7-10 of the LRSAM1 gene. This variant would be expected to be in-frame, preserving the integrity of the reading frame.